The following is an entry in ClinVar:

NM_002633.3(PGM1):c.5T>G (p.Val2Gly)

Genes: PGM1 (phosphoglucomutase 1; plus strand), LOC129930668 (ATAC-STARR-seq lymphoblastoid active region 1127; plus strand). Cytogenetic location: 1p31.3.
Variant type: single nucleotide variant.
Coding change: c.5T>G on transcript NM_002633.3 (MANE Select); coding-DNA position 5, T replaced by G.
Protein change: p.Val2Gly; replaces valine 2 with glycine.
Molecular consequence: missense variant.
Genome position (GRCh38, 1-based): chr1:63,593,493, T>G. VCF-style: chr1-63593493-T-G. GRCh37 (hg19) VCF-style: chr1-64059164-T-G.
Other names: short protein forms V2G.
Identifiers: ClinVar variation 1932812 (VCV001932812.5), dbSNP rs1647925458, ClinGen allele CA340638753.

ClinVar aggregate classification (germline): Uncertain significance (1 of 4 stars; one submission).

Conditions:
PGM1-congenital disorder of glycosylation. Also called: PHOSPHOGLUCOMUTASE 1 DEFICIENCY; PGM1 DEFICIENCY; Congenital disorder of glycosylation type 1t; GLYCOGEN STORAGE DISEASE XIV; GSD XIV; CDG It. Identifiers: Orphanet 319646, MedGen C2752015, MONDO:0013968, OMIM 614921.

Allele frequency attached by ClinVar (database versions not stated): gnomAD exomes below 0.00001; TOPMed below 0.00001.
gnomAD v4.1: 5 of 1,613,574 alleles (0.00031%); highest among the groups gnomAD compares: Non-Finnish European, 0.00042%; no homozygotes.

Submission:

Labcorp Genetics (formerly Invitae), Labcorp
Classification: Uncertain significance for PGM1-congenital disorder of glycosylation. Last evaluated: 2025-06-02. Review status: criteria provided, single submitter. Criteria: Invitae Variant Classification Sherloc (09022015). Collection method: clinical testing. Allele origin: germline.
Comment: This sequence change replaces valine, which is neutral and non-polar, with glycine, which is neutral and non-polar, at codon 2 of the PGM1 protein (p.Val2Gly). This variant is not present in population databases (gnomAD no frequency). This variant has not been reported in the literature in individuals affected with PGM1-related conditions. ClinVar contains an entry for this variant (Variation ID: 1932812). An algorithm developed to predict the effect of missense changes on protein structure and function (PolyPhen-2) suggests that this variant is likely to be tolerated. In summary, the available evidence is currently insufficient to determine the role of this variant in disease. Therefore, it has been classified as a Variant of Uncertain Significance.